The following is an entry in ClinVar:

ClinVar aggregate classification (germline): Uncertain significance (1 of 4 stars; one submission).

Submission:

GeneDx
Classification: Uncertain significance. Last evaluated: 2023-02-24. Review status: criteria provided, single submitter. Criteria: GeneDx Variant Classification Process June 2021. Collection method: clinical testing. Allele origin: germline. Affected: yes.
Comment: In-frame deletion of 1 amino acids in a non-repeat region; Not observed at significant frequency in large population cohorts (gnomAD); In silico analysis supports that this variant does not alter protein structure/function; Has not been previously published as pathogenic or benign to our knowledge

NM_001009944.3(PKD1):c.5644_5646del (p.Thr1882del)

Gene: PKD1 (polycystin 1, transient receptor potential channel interacting; minus strand). Cytogenetic location: 16p13.3.
Variant type: Deletion.
Coding change: c.5644_5646del on transcript NM_001009944.3 (MANE Select); coding-DNA positions 5644 to 5646, 3 bases deleted (ACG; older notation c.5644_5646delACG).
Protein change: p.Thr1882del; deletes threonine 1882.
Molecular consequence: inframe deletion. On other transcripts: inframe indel (1).
Genome position (GRCh38, 1-based): chr16:2,109,521-2,109,523, CGT deleted on the plus strand (ACG on the coding strand, the reverse complement: PKD1 is on the minus strand). VCF-style (leftmost placement, unchanged base first): chr16-2109520-CCGT-C. GRCh37 (hg19) VCF-style: chr16-2159521-CCGT-C.
Other names: c.5644_5646del, p.Thr1882del (NM_000296.4); c.5644_5646delACG, p.Thr1882del (NM_001009944.2); short protein forms T1882del.
Identifiers: ClinVar variation 2577553 (VCV002577553.1), dbSNP rs2544810848, ClinGen allele CA2580617465.